The following is an entry in ClinVar:

NM_007294.4(BRCA1):c.1179_1180dup (p.Gly394fs)

Gene: BRCA1 (BRCA1 DNA repair associated; minus strand). Cytogenetic location: 17q21.31.
Variant type: Duplication.
Coding change: c.1179_1180dup on transcript NM_007294.4 (MANE Select); coding-DNA positions 1179 to 1180, 2 bases duplicated (AG; older notation c.1179_1180dupAG).
Protein change: p.Gly394fs; shifts the reading frame from glycine 394.
Molecular consequence: frameshift variant. On other transcripts: intron variant (137).
Genome position (GRCh38, 1-based): chr17:43,094,351-43,094,352, CT duplicated on the plus strand (AG on the coding strand, the reverse complement: BRCA1 is on the minus strand). VCF-style (leftmost placement, unchanged base first): chr17-43094350-C-CCT. GRCh37 (hg19) VCF-style: chr17-41246367-C-CCT.
Other names: c.574+392_574+393dup (NM_001408491.1, NM_001408493.1, NM_001408490.1); c.1056_1057dup, p.Gly353fs (NM_001407665.1, NM_001407666.1, NM_001407667.1 and 19 more transcripts); c.1053_1054dup, p.Gly352fs (NM_001407670.1, NM_001407671.1, NM_001407672.1 and 11 more transcripts); c.784+392_784+393dup (NM_001408401.1, NM_001408396.1, NM_001407985.1 and 13 more transcripts); c.577+392_577+393dup (NM_001408481.1, NM_001408480.1, NM_001408492.1 and 9 more transcripts); c.661+392_661+393dup (NM_001408446.1, NM_001408435.1, NM_001408448.1 and 6 more transcripts); c.460+1494_460+1495dup (NM_001408506.1, NM_001408507.1); c.778+392_778+393dup (NM_001408408.1); and 41 more; short protein forms G347fs, G394fs, G266fs, G283fs, G368fs, G267fs, G282fs, G323fs.
Identifiers: ClinVar variation 531380 (VCV000531380.13), dbSNP rs1555592304, ClinGen allele CA658798850.

ClinVar aggregate classification (germline): Pathogenic. Review status: criteria provided, multiple submitters, no conflicts (2 of 4 stars). 2 submissions from 2 submitters: Pathogenic (2). Last evaluated 2018-04-26.

Conditions:
Hereditary breast ovarian cancer syndrome. Also called: Hereditary breast and ovarian cancer syndrome (HBOC); BRCA1- and BRCA2-Associated Hereditary Breast and Ovarian Cancer; Hereditary breast and ovarian cancer syndrome; Breast and ovarian cancer; Hereditary breast and ovarian cancer; Hereditary breast and/or ovarian cancer syndrome. Identifiers: Orphanet 145, MedGen C0677776, MeSH D061325, MONDO:0003582. Disease mechanism: loss of function.
Hereditary cancer-predisposing syndrome. Also called: Hereditary neoplastic syndrome; Neoplastic Syndromes, Hereditary; Tumor predisposition; Hereditary Cancer Syndrome. Identifiers: Orphanet 140162, MedGen C0027672, MeSH D009386, MONDO:0015356.

Submissions (2):

Ambry Genetics
Classification: Pathogenic for Hereditary cancer-predisposing syndrome. Last evaluated: 2018-04-26. Review status: criteria provided, single submitter. Criteria: Ambry Variant Classification Scheme 2023. Collection method: clinical testing. Allele origin: germline.
Comment: The c.1179_1180dupAG variant, located in coding exon 9 of the BRCA1 gene, results from a duplication of AG at nucleotide position 1179, causing a translational frameshift with a predicted alternate stop codon (p.G394Efs*17). This alteration is expected to result in loss of function by premature protein truncation or nonsense-mediated mRNA decay. As such, this alteration is interpreted as a disease-causing mutation.

Labcorp Genetics (formerly Invitae), Labcorp
Classification: Pathogenic for Hereditary breast ovarian cancer syndrome. Last evaluated: 2017-11-23. Review status: criteria provided, single submitter. Criteria: Invitae Variant Classification Sherloc (09022015). Collection method: clinical testing. Allele origin: germline.
Comment: This variant is not present in population databases (ExAC no frequency). This sequence change creates a premature translational stop signal (p.Gly394Glufs*17) in the BRCA1 gene. It is expected to result in an absent or disrupted protein product. This variant has not been reported in the literature in individuals with BRCA1-related disease. Loss-of-function variants in BRCA1 are known to be pathogenic (PMID: 20104584). For these reasons, this variant has been classified as Pathogenic.

Literature cited by the submitters: PubMed 20104584 (cited by Labcorp Genetics (formerly Invitae), Labcorp).